The following is an entry in ClinVar:

NM_001286577.2(C2CD3):c.4658G>A (p.Arg1553Gln)

Gene: C2CD3 (C2 domain containing 3 centriole elongation regulator; minus strand). Cytogenetic location: 11q13.4.
Variant type: single nucleotide variant.
Coding change: c.4658G>A on transcript NM_001286577.2 (MANE Select); coding-DNA position 4658, G replaced by A.
Protein change: p.Arg1553Gln; replaces arginine 1553 with glutamine.
Molecular consequence: missense variant.
Genome position (GRCh38, 1-based): chr11:74,074,546, C>T on the plus strand (G>A on the coding strand, the complement: C2CD3 is on the minus strand). VCF-style: chr11-74074546-C-T. GRCh37 (hg19) VCF-style: chr11-73785591-C-T.
Other names: c.4658G>A (NM_015531.4); c.4658G>A, p.Arg1553Gln (NM_015531.6); short protein forms R1553Q.
Identifiers: ClinVar variation 800747 (VCV000800747.7), dbSNP rs542660333, ClinGen allele CA6182089.

ClinVar aggregate classification (germline): Uncertain significance. Review status: criteria provided, multiple submitters, no conflicts (2 of 4 stars). 4 submissions from 4 submitters: Uncertain significance (3). 1 of the submissions does not count toward it. Last evaluated 2025-05-04.

Conditions:
Inborn genetic diseases. Identifiers: MedGen C0950123, MeSH D030342.
Orofaciodigital syndrome type 14. Also called: Orofaciodigital syndrome xiv. Identifiers: Orphanet 434179, MedGen C4706604, MONDO:0014413, OMIM 615948.

Allele frequency attached by ClinVar (database versions not stated): gnomAD 0.00002 and 0.00003; gnomAD exomes 0.00001; TOPMed 0.00003; ExAC 0.00003; 1000 Genomes Project 0.00020; 1000 Genomes Project 30x 0.00016.
gnomAD v4.1: 26 of 1,614,100 alleles (0.0016%); highest among the groups gnomAD compares: Middle Eastern, 0.049%; no homozygotes.

Submissions (4):

Ambry Genetics
Classification: Uncertain significance for Inborn genetic diseases. Last evaluated: 2025-05-04. Review status: criteria provided, single submitter. Criteria: Ambry Variant Classification Scheme 2023. Collection method: clinical testing. Allele origin: germline.

Labcorp Genetics (formerly Invitae), Labcorp
Classification: Uncertain significance. Last evaluated: 2023-10-14. Review status: criteria provided, single submitter. Criteria: Invitae Variant Classification Sherloc (09022015). Collection method: clinical testing. Allele origin: germline.
Comment: This sequence change replaces arginine, which is basic and polar, with glutamine, which is neutral and polar, at codon 1553 of the C2CD3 protein (p.Arg1553Gln). This variant is present in population databases (rs542660333, gnomAD 0.003%). This variant has not been reported in the literature in individuals affected with C2CD3-related conditions. ClinVar contains an entry for this variant (Variation ID: 800747). Advanced modeling of protein sequence and biophysical properties (such as structural, functional, and spatial information, amino acid conservation, physicochemical variation, residue mobility, and thermodynamic stability) performed at Invitae indicates that this missense variant is expected to disrupt C2CD3 protein function. In summary, the available evidence is currently insufficient to determine the role of this variant in disease. Therefore, it has been classified as a Variant of Uncertain Significance.

GeneDx
Classification: Uncertain significance. Last evaluated: 2023-08-01. Review status: criteria provided, single submitter. Criteria: GeneDx Variant Classification Process June 2021. Collection method: clinical testing. Allele origin: germline.
Comment: In silico analysis supports that this missense variant has a deleterious effect on protein structure/function; Has not been previously published as pathogenic or benign to our knowledge

Biochemical Molecular Genetic Laboratory, King Abdulaziz Medical City
Classification: Uncertain significance for Orofaciodigital syndrome type 14. Last evaluated: 2019-01-29. Review status: no assertion criteria provided. Collection method: clinical testing. Allele origin: germline. Affected: yes. Not counted in ClinVar's aggregate classification.